The following is an entry in ClinVar:

ClinVar aggregate classification (germline): Uncertain significance (1 of 4 stars; one submission).

Submission:

Labcorp Genetics (formerly Invitae), Labcorp
Classification: Uncertain significance. Last evaluated: 2022-05-22. Review status: criteria provided, single submitter. Criteria: Invitae Variant Classification Sherloc (09022015). Collection method: clinical testing. Allele origin: germline.
Comment: This sequence change replaces glutamine, which is neutral and polar, with arginine, which is basic and polar, at codon 328 of the MICU1 protein (p.Gln328Arg). In summary, the available evidence is currently insufficient to determine the role of this variant in disease. Therefore, it has been classified as a Variant of Uncertain Significance. This variant is not present in population databases (gnomAD no frequency). This variant has not been reported in the literature in individuals affected with MICU1-related conditions. Algorithms developed to predict the effect of missense changes on protein structure and function are either unavailable or do not agree on the potential impact of this missense change (SIFT: "Tolerated"; PolyPhen-2: "Not Available"; Align-GVGD: "Class C0").

NM_001195518.2(MICU1):c.977A>G (p.Gln326Arg)

Gene: MICU1 (mitochondrial calcium uptake 1; minus strand). Cytogenetic location: 10q22.1.
Variant type: single nucleotide variant.
Coding change: c.977A>G on transcript NM_001195518.2 (MANE Select); coding-DNA position 977, A replaced by G.
Protein change: p.Gln326Arg; replaces glutamine 326 with arginine.
Molecular consequence: missense variant.
Genome position (GRCh38, 1-based): chr10:72,423,328, T>C on the plus strand (A>G on the coding strand, the complement: MICU1 is on the minus strand). VCF-style: chr10-72423328-T-C. GRCh37 (hg19) VCF-style: chr10-74183086-T-C.
Other names: c.383A>G, p.Gln128Arg (NM_001195519.2); c.995A>G, p.Gln332Arg (NM_001363513.2); c.983A>G, p.Gln328Arg (NM_006077.4); short protein forms Q128R, Q326R, Q328R, Q332R.
Identifiers: ClinVar variation 1997990 (VCV001997990.4), dbSNP rs2495125118, ClinGen allele CA377172027.
Genomic context (GRCh38, chr10:72,423,328, plus strand): 5'-TGCATGGCGGTCAGCTTCTTGGACTGCACCCCACTGTAGGCAAGTAGCATGCCACCAAAC[T>C]GCCTCTCAGTAATTCTCCCATCCACAGGGTCATGGCGTTCAAACTGGGAGGGAAACAGAA-3'
Protein context (NP_001182447.1, residues 316-336): DPVDGRITER[Gln326Arg]FGGMLLAYSG